The following is an entry in ClinVar:

NM_001482.3(GATM):c.361A>G (p.Lys121Glu)

Gene: GATM (glycine amidinotransferase; minus strand). Cytogenetic location: 15q21.1.
Variant type: single nucleotide variant.
Coding change: c.361A>G on transcript NM_001482.3 (MANE Select); coding-DNA position 361, A replaced by G.
Protein change: p.Lys121Glu; replaces lysine 121 with glutamic acid.
Molecular consequence: missense variant. On other transcripts: 5 prime UTR variant (1).
Genome position (GRCh38, 1-based): chr15:45,369,449, T>C on the plus strand (A>G on the coding strand, the complement: GATM is on the minus strand). VCF-style: chr15-45369449-T-C. GRCh37 (hg19) VCF-style: chr15-45661647-T-C.
Other names: c.-27A>G (NM_001321015.2); short protein forms K121E.
Identifiers: ClinVar variation 3639251 (VCV003639251.2).
Genomic context (GRCh38, chr15:45,369,449, plus strand): 5'-CTGTCACTCCTTCCGTTTTTAAAATATTGCACATTTCTTCAATTTCAGCAACAGCCTTTT[T>C]CAAATGATCTTTGGGAAAATAATGCCCTCCTTGCTTCTGGTAAAATGGCCAGTACTTTTC-3'
Protein context (NP_001473.1, residues 111-131): GGHYFPKDHL[Lys121Glu]KAVAEIEEMC

ClinVar aggregate classification (germline): Uncertain significance (1 of 4 stars; one submission).

Conditions:
Arginine:glycine amidinotransferase deficiency (CCDS3). Also called: Creatine deficiency syndrome due to AGAT deficiency; GATM deficiency; AGAT deficiency; L-Arginine:Glycine Amidinotransferase Deficiency; L-Arginine:Glycine Amidinotransferase (AGAT) Deficiency; Cerebral creatine deficiency syndrome 3. Identifiers: Orphanet 35704, MedGen C2675179, MONDO:0012996, OMIM 612718.

gnomAD v4.1: 1 of 1,614,192 alleles (0.000062%); highest among the groups gnomAD compares: South Asian, 0.0011%; no homozygotes.

Submission:

Labcorp Genetics (formerly Invitae), Labcorp
Classification: Uncertain significance for Arginine:glycine amidinotransferase deficiency. Last evaluated: 2024-05-18. Review status: criteria provided, single submitter. Criteria: Invitae Variant Classification Sherloc (09022015). Collection method: clinical testing. Allele origin: germline.
Comment: This sequence change replaces lysine, which is basic and polar, with glutamic acid, which is acidic and polar, at codon 121 of the GATM protein (p.Lys121Glu). This variant is not present in population databases (gnomAD no frequency). This variant has not been reported in the literature in individuals affected with GATM-related conditions. Advanced modeling of protein sequence and biophysical properties (such as structural, functional, and spatial information, amino acid conservation, physicochemical variation, residue mobility, and thermodynamic stability) performed at Invitae indicates that this missense variant is not expected to disrupt GATM protein function with a negative predictive value of 80%. In summary, the available evidence is currently insufficient to determine the role of this variant in disease. Therefore, it has been classified as a Variant of Uncertain Significance.